The following is an entry in ClinVar:

NM_001127464.1:c.11108G>C

Gene: ZNF469 (zinc finger protein 469; plus strand).
Variant type: single nucleotide variant.
Identifiers: ClinVar variation 4842245 (VCV004842245.1).

ClinVar aggregate classification (germline): Uncertain significance (1 of 4 stars; one submission).

Conditions:
Cardiovascular phenotype. Identifiers: MedGen CN230736.

Submission:

Ambry Genetics
Classification: Uncertain significance for Cardiovascular phenotype. Last evaluated: 2026-01-06. Review status: criteria provided, single submitter. Criteria: Ambry Variant Classification Scheme 2023. Collection method: clinical testing. Allele origin: germline.
Comment: The p.S3703T variant (also known as c.11108G>C), located in coding exon 2 of the ZNF469 gene, results from a G to C substitution at nucleotide position 11108. The serine at codon 3703 is replaced by threonine, an amino acid with similar properties. This amino acid position is conserved. In addition, this alteration is predicted to be tolerated by in silico analysis. Based on the available evidence, the clinical significance of this variant remains unclear.